The following is an entry in ClinVar:

NM_020207.7(ERCC6L2):c.2054T>A (p.Phe685Tyr)

Gene: ERCC6L2 (ERCC excision repair 6 like 2; plus strand). Cytogenetic location: 9q22.32.
Variant type: single nucleotide variant.
Coding change: c.2054T>A on transcript NM_020207.7 (MANE Select); coding-DNA position 2054, T replaced by A.
Protein change: p.Phe685Tyr; replaces phenylalanine 685 with tyrosine.
Molecular consequence: missense variant. On other transcripts: non-coding transcript variant (1).
Genome position (GRCh38, 1-based): chr9:95,966,668, T>A. VCF-style: chr9-95966668-T-A. GRCh37 (hg19) VCF-style: chr9-98728950-T-A.
Other names: c.2054T>A, p.Phe685Tyr (NM_001010895.4, NM_001375291.1, NM_001375292.1 and 2 more transcripts); short protein forms F685Y.
Identifiers: ClinVar variation 3845894 (VCV003845894.1).

ClinVar aggregate classification (germline): Uncertain significance (1 of 4 stars; one submission).

Conditions:
Inborn genetic diseases. Identifiers: MedGen C0950123, MeSH D030342.

gnomAD v4.1: 3 of 1,520,218 alleles (0.0002%); highest among the groups gnomAD compares: Admixed American, 0.0051%; no homozygotes.

Submission:

Ambry Genetics
Classification: Uncertain significance for Inborn genetic diseases. Last evaluated: 2025-01-25. Review status: criteria provided, single submitter. Criteria: Ambry Variant Classification Scheme 2023. Collection method: clinical testing. Allele origin: germline.
Comment: The p.F685Y variant (also known as c.2054T>A), located in coding exon 14 of the ERCC6L2 gene, results from a T to A substitution at nucleotide position 2054. The phenylalanine at codon 685 is replaced by tyrosine, an amino acid with highly similar properties. This amino acid position is conserved. In addition, the in silico prediction for this alteration is inconclusive. Based on the available evidence, the clinical significance of this variant remains unclear.